The following is an entry in ClinVar:

NM_024306.5(FA2H):c.113G>A (p.Ser38Asn)

Genes: FA2H (fatty acid 2-hydroxylase; minus strand), LOC130059394 (ATAC-STARR-seq lymphoblastoid silent region 7701; plus strand). Cytogenetic location: 16q23.1.
Variant type: single nucleotide variant.
Coding change: c.113G>A on transcript NM_024306.5 (MANE Select); coding-DNA position 113, G replaced by A.
Protein change: p.Ser38Asn; replaces serine 38 with asparagine.
Molecular consequence: missense variant.
Genome position (GRCh38, 1-based): chr16:74,774,643, C>T on the plus strand (G>A on the coding strand, the complement: FA2H is on the minus strand). VCF-style: chr16-74774643-C-T. GRCh37 (hg19) VCF-style: chr16-74808541-C-T.
Other names: short protein forms S38N.
Identifiers: ClinVar variation 1394888 (VCV001394888.6), dbSNP rs2144672586, ClinGen allele CA396768390.

ClinVar aggregate classification (germline): Uncertain significance (1 of 4 stars; one submission).

Conditions:
Spastic paraplegia. Identifiers: MedGen C0037772, HP:0001258.

Allele frequency attached by ClinVar (database versions not stated): gnomAD exomes below 0.00001.
gnomAD v4.1: 1 of 1,487,948 alleles (0.000067%); highest among the groups gnomAD compares: East Asian, 0.0029%; no homozygotes.

Submission:

Labcorp Genetics (formerly Invitae), Labcorp
Classification: Uncertain significance for Spastic paraplegia. Last evaluated: 2021-11-24. Review status: criteria provided, single submitter. Criteria: Invitae Variant Classification Sherloc (09022015). Collection method: clinical testing. Allele origin: germline.
Comment: In summary, the available evidence is currently insufficient to determine the role of this variant in disease. Therefore, it has been classified as a Variant of Uncertain Significance. This sequence change replaces serine, which is neutral and polar, with asparagine, which is neutral and polar, at codon 38 of the FA2H protein (p.Ser38Asn). This variant is not present in population databases (gnomAD no frequency). This variant has not been reported in the literature in individuals affected with FA2H-related conditions. Advanced modeling of protein sequence and biophysical properties (such as structural, functional, and spatial information, amino acid conservation, physicochemical variation, residue mobility, and thermodynamic stability) performed at Invitae indicates that this missense variant is not expected to disrupt FA2H protein function.